The following is an entry in ClinVar:

ClinVar aggregate classification (germline): Uncertain significance. Review status: criteria provided, multiple submitters, no conflicts (2 of 4 stars). 5 submissions from 5 submitters: Uncertain significance (5). Last evaluated 2025-09-03.

Conditions:
Hereditary cancer-predisposing syndrome. Also called: Tumor predisposition; Neoplastic Syndromes, Hereditary; Hereditary Cancer Syndrome; Hereditary neoplastic syndrome. Identifiers: Orphanet 140162, MedGen C0027672, MeSH D009386, MONDO:0015356.
Hereditary breast ovarian cancer syndrome. Also called: Hereditary breast and ovarian cancer; Hereditary breast and ovarian cancer syndrome (HBOC); BRCA1- and BRCA2-Associated Hereditary Breast and Ovarian Cancer; Breast and ovarian cancer; Hereditary breast and ovarian cancer syndrome; Hereditary breast and/or ovarian cancer syndrome. Identifiers: Orphanet 145, MedGen C0677776, MeSH D061325, MONDO:0003582. Disease mechanism: loss of function.
Breast-ovarian cancer, familial, susceptibility to, 2 (BROVCA2). Also called: BRCA2 Hereditary Breast and Ovarian Cancer. Identifiers: Orphanet 145, MedGen C2675520, MONDO:0012933, OMIM 612555. Disease mechanism: loss of function.
Familial cancer of breast. Also called: BREAST CANCER, FAMILIAL; hereditary breast carcinoma; Hereditary breast cancer. Identifiers: Orphanet 227535, MedGen C0346153, MONDO:0016419, OMIM 114480. Disease mechanism: loss of function.

Submissions (5):

Labcorp Genetics (formerly Invitae), Labcorp
Classification: Uncertain significance for Hereditary breast ovarian cancer syndrome. Last evaluated: 2025-09-03. Review status: criteria provided, single submitter. Criteria: Invitae Variant Classification Sherloc (09022015). Collection method: clinical testing. Allele origin: germline.
Comment: This sequence change replaces arginine, which is basic and polar, with glycine, which is neutral and non-polar, at codon 3269 of the BRCA2 protein (p.Arg3269Gly). This variant is not present in population databases (gnomAD no frequency). This variant has not been reported in the literature in individuals affected with BRCA2-related conditions. ClinVar contains an entry for this variant (Variation ID: 491393). Invitae Evidence Modeling of protein sequence and biophysical properties (such as structural, functional, and spatial information, amino acid conservation, physicochemical variation, residue mobility, and thermodynamic stability) indicates that this missense variant is not expected to disrupt BRCA2 protein function with a negative predictive value of 95%. Experimental studies have shown that this missense change does not substantially affect BRCA2 function (PMID: 32444794). In summary, the available evidence is currently insufficient to determine the role of this variant in disease. Therefore, it has been classified as a Variant of Uncertain Significance.

Baylor Genetics
Classification: Uncertain significance for Familial cancer of breast. Last evaluated: 2023-11-27. Review status: criteria provided, single submitter. Criteria: ACMG Guidelines, 2015. Collection method: clinical testing. Allele origin: unknown.

Ambry Genetics
Classification: Uncertain significance for Hereditary cancer-predisposing syndrome. Last evaluated: 2023-10-02. Review status: criteria provided, single submitter. Criteria: Ambry Variant Classification Scheme 2023. Collection method: clinical testing. Allele origin: germline.
Comment: The p.R3269G variant (also known as c.9805A>G), located in coding exon 26 of the BRCA2 gene, results from an A to G substitution at nucleotide position 9805. The arginine at codon 3269 is replaced by glycine, an amino acid with dissimilar properties. This alteration was reported as benign based on sensitivity to PARP inhibitors in a high-throughput in vitro assay performed in a human colorectal adenoma cell line (Ikegami M et al. Nat Commun, 2020 May;11:2573). This amino acid position is well conserved in available vertebrate species. In addition, the in silico prediction for this alteration is inconclusive. Since supporting evidence is limited at this time, the clinical significance of this alteration remains unclear.

All of Us Research Program, National Institutes of Health
Classification: Uncertain significance for Breast-ovarian cancer, familial, susceptibility to, 2. Last evaluated: 2023-06-26. Review status: criteria provided, single submitter. Criteria: ACMG Guidelines, 2015. Collection method: clinical testing. Allele origin: germline. Inheritance: Autosomal dominant inheritance. Observed: 1 variant allele, 1 heterozygote.
Comment: This missense variant replaces arginine with glycine at codon 3269 of the BRCA2 protein. Computational prediction suggests that this variant may not impact protein structure and function (internally defined REVEL score threshold <= 0.5, PMID: 27666373). A functional study has shown that this variant protein does not increase the sensitivity to PARP inhibitors in mammalian cells when compared to the wild-type protein (PMID: 32444794). This variant has not been reported in individuals affected with BRCA2-related disorders in the literature. This variant has not been identified in the general population by the Genome Aggregation Database (gnomAD). The available evidence is insufficient to determine the role of this variant in disease conclusively. Therefore, this variant is classified as a Variant of Uncertain Significance.

This study involves interpretation of variants in research participants for the purpose of population health screening. Participant phenotype was not available at the time of variant classification. Additional details can be found in publication PMID: 35346344, PMCID: PMC8962531

Color Diagnostics, LLC DBA Color Health
Classification: Uncertain significance for Hereditary cancer-predisposing syndrome. Last evaluated: 2023-06-02. Review status: criteria provided, single submitter. Criteria: ACMG Guidelines, 2015. Collection method: clinical testing. Allele origin: germline.
Comment: This missense variant replaces arginine with glycine at codon 3269 of the BRCA2 protein. Computational prediction suggests that this variant may not impact protein structure and function (internally defined REVEL score threshold <= 0.5, PMID: 27666373). A functional study has shown that this variant protein does not increase the sensitivity to PARP inhibitors in mammalian cells when compared to the wild-type protein (PMID: 32444794). This variant has not been reported in individuals affected with BRCA2-related disorders in the literature. This variant has not been identified in the general population by the Genome Aggregation Database (gnomAD). The available evidence is insufficient to determine the role of this variant in disease conclusively. Therefore, this variant is classified as a Variant of Uncertain Significance.

Literature cited by the submitters: PubMed 32444794 (cited by 4 submitters).

NM_000059.4(BRCA2):c.9805A>G (p.Arg3269Gly)

Gene: BRCA2 (BRCA2 DNA repair associated; plus strand). Cytogenetic location: 13q13.1.
Variant type: single nucleotide variant.
Coding change: c.9805A>G on transcript NM_000059.4 (MANE Select); coding-DNA position 9805, A replaced by G.
Protein change: p.Arg3269Gly; replaces arginine 3269 with glycine.
Molecular consequence: missense variant.
Genome position (GRCh38, 1-based): chr13:32,398,318, A>G. VCF-style: chr13-32398318-A-G. GRCh37 (hg19) VCF-style: chr13-32972455-A-G.
Other names: short protein forms R3269G.
Identifiers: ClinVar variation 491393 (VCV000491393.15), dbSNP rs1555289964, ClinGen allele CA387766093.